The following is an entry in ClinVar:

ClinVar aggregate classification (germline): Uncertain significance (1 of 4 stars; one submission).

Conditions:
Inborn genetic diseases. Identifiers: MedGen C0950123, MeSH D030342.

gnomAD v4.1: 1 of 1,557,938 alleles (0.000064%); highest among the groups gnomAD compares: African/African-American, 0.0014%; no homozygotes.

Submission:

Ambry Genetics
Classification: Uncertain significance for Inborn genetic diseases. Last evaluated: 2024-10-02. Review status: criteria provided, single submitter. Criteria: Ambry Variant Classification Scheme 2023. Collection method: clinical testing. Allele origin: germline.
Comment: The p.V10L variant (also known as c.28G>C), located in coding exon 1 of the G6PC3 gene, results from a G to C substitution at nucleotide position 28. The valine at codon 10 is replaced by leucine, an amino acid with highly similar properties. This amino acid position is conserved. In addition, this alteration is predicted to be tolerated by in silico analysis. Based on the available evidence, the clinical significance of this variant remains unclear.

NM_138387.4(G6PC3):c.28G>C (p.Val10Leu)

Gene: G6PC3 (glucose-6-phosphatase catalytic subunit 3; plus strand). Cytogenetic location: 17q21.31.
Variant type: single nucleotide variant.
Coding change: c.28G>C on transcript NM_138387.4 (MANE Select); coding-DNA position 28, G replaced by C.
Protein change: p.Val10Leu; replaces valine 10 with leucine.
Molecular consequence: missense variant. On other transcripts: 5 prime UTR variant (3), intron variant (1).
Genome position (GRCh38, 1-based): chr17:44,070,993, G>C. VCF-style: chr17-44070993-G-C. GRCh37 (hg19) VCF-style: chr17-42148361-G-C.
Other names: c.28G>C, p.Val10Leu (NM_001319945.2); c.-377G>C (NM_001384165.1); c.-512G>C (NM_001384166.1); c.-502G>C (NM_001384167.1); c.-312+279G>C (NM_001384168.1); short protein forms V10L.
Identifiers: ClinVar variation 3518044 (VCV003518044.1).
Genomic context (GRCh38, chr17:44,070,993, plus strand): 5'-GCAAGCCGGGGCCTGGTCGGCAGCTGGGCCGCCATGGAGTCCACGCTGGGCGCGGGCATC[G>C]TGATAGCCGAGGCGCTACAGAACCAGCTAGCCTGGCTGGAGAACGTGTGGCTCTGGATCA-3'
Protein context (NP_612396.1, residues 1-20): MESTLGAGI[Val10Leu]IAEALQNQLA